The following is an entry in ClinVar:

NM_001368809.2(AMPD2):c.2253C>T (p.Ser751=)

Gene: AMPD2 (adenosine monophosphate deaminase 2; plus strand). Cytogenetic location: 1p13.3.
Variant type: single nucleotide variant.
Coding change: c.2253C>T on transcript NM_001368809.2 (MANE Select); coding-DNA position 2253, C replaced by T.
Protein change: p.Ser751=; no amino-acid change (serine 751 retained).
Molecular consequence: synonymous variant.
Genome position (GRCh38, 1-based): chr1:109,630,778, C>T. VCF-style: chr1-109630778-C-T. GRCh37 (hg19) VCF-style: chr1-110173400-C-T.
Other names: c.2415C>T (NM_001257360.1); c.2061C>T, p.Ser687= (NM_001257361.2); c.2190C>T, p.Ser730= (NM_001308170.1); c.2253C>T, p.Ser751= (NM_004037.9); c.2172C>T, p.Ser724= (NM_139156.4).
Identifiers: ClinVar variation 3054693 (VCV003054693.3), dbSNP rs1461851428, ClinGen allele CA419374537.

ClinVar aggregate classification (germline): Likely benign. Review status: criteria provided, single submitter (1 of 4 stars). 2 submissions from 2 submitters: Likely benign (1). 1 of the submissions does not count toward it. Last evaluated 2026-01-14.

Conditions:
Pontocerebellar hypoplasia type 9. Identifiers: Orphanet 369920, MedGen C4014354, MONDO:0014351, OMIM 615809.
Hereditary spastic paraplegia 63. Also called: Spastic paraplegia 63, autosomal recessive. Identifiers: Orphanet 401805, MedGen C3810295, MONDO:0014305, OMIM 615686.
AMPD2-related disorder. Also called: AMPD2-related condition.

gnomAD v4.1: 17 of 1,608,746 alleles (0.0011%); highest among the groups gnomAD compares: Non-Finnish European, 0.0014%; no homozygotes.

Submissions (2):

Labcorp Genetics (formerly Invitae), Labcorp
Classification: Likely benign for Pontocerebellar hypoplasia type 9; Hereditary spastic paraplegia 63. Last evaluated: 2026-01-14. Review status: criteria provided, single submitter. Criteria: Invitae Variant Classification Sherloc (09022015). Collection method: clinical testing. Allele origin: germline.

PreventionGenetics, part of Exact Sciences
Classification: Likely benign for AMPD2-related condition. Last evaluated: 2020-05-11. Review status: no assertion criteria provided. Collection method: clinical testing. Allele origin: germline. Not counted in ClinVar's aggregate classification.
Comment: This variant is classified as likely benign based on ACMG/AMP sequence variant interpretation guidelines (Richards et al. 2015 PMID: 25741868, with internal and published modifications).